The following is an entry in ClinVar:

ClinVar aggregate classification (germline): Uncertain significance (1 of 4 stars; one submission).

Allele frequency attached by ClinVar (database versions not stated): gnomAD 0.00004; TOPMed 0.00005.
gnomAD v4.1: 38 of 1,613,818 alleles (0.0024%); highest among the groups gnomAD compares: African/African-American, 0.004%; no homozygotes.

Submission:

Labcorp Genetics (formerly Invitae), Labcorp
Classification: Uncertain significance. Last evaluated: 2025-12-10. Review status: criteria provided, single submitter. Criteria: Invitae Variant Classification Sherloc (09022015). Collection method: clinical testing. Allele origin: germline.
Comment: The TCF3 gene has multiple clinically relevant transcripts. This variant occurs in alternate transcript NM_001136139.3, and corresponds to NM_003200.4:c.1823-513C>T in the primary transcript. This sequence change replaces alanine, which is neutral and non-polar, with valine, which is neutral and non-polar, at codon 553 of the TCF3 protein (p.Ala553Val). This variant is present in population databases (rs201939465, gnomAD 0.01%). This variant has not been reported in the literature in individuals affected with TCF3-related conditions. ClinVar contains an entry for this variant (Variation ID: 1651315). Experimental studies and prediction algorithms are not available or were not evaluated, and the functional significance of this variant is currently unknown. Algorithms developed to predict the effect of sequence changes on RNA splicing suggest that this variant is not likely to affect RNA splicing. In summary, the available evidence is currently insufficient to determine the role of this variant in disease. Therefore, it has been classified as a Variant of Uncertain Significance.

NM_001136139.4(TCF3):c.1658C>T (p.Ala553Val)

Gene: TCF3 (transcription factor 3; minus strand). Cytogenetic location: 19p13.3.
Variant type: single nucleotide variant.
Coding change: c.1658C>T on transcript NM_001136139.4 (MANE Plus Clinical); coding-DNA position 1658, C replaced by T.
Protein change: p.Ala553Val; replaces alanine 553 with valine.
Molecular consequence: missense variant. On other transcripts: intron variant (2).
Genome position (GRCh38, 1-based): chr19:1,612,362, G>A on the plus strand (C>T on the coding strand, the complement: TCF3 is on the minus strand). VCF-style: chr19-1612362-G-A. GRCh37 (hg19) VCF-style: chr19-1612361-G-A.
Other names: c.1658C>T, p.Ala553Val (NM_001351779.2); c.1820-513C>T (NM_001351778.2); c.1823-513C>T (NM_003200.5); short protein forms A553V.
Identifiers: ClinVar variation 1651315 (VCV001651315.8), dbSNP rs201939465, ClinGen allele CA304098735.